The following is an entry in ClinVar:

ClinVar aggregate classification (germline): Conflicting classifications of pathogenicity. Review status: criteria provided, conflicting classifications (1 of 4 stars). 4 submissions from 4 submitters: Uncertain significance (2); Benign (1); Likely benign (1). Last evaluated 2025-04-29.

Conditions:
Multiple endocrine neoplasia type 2A. Also called: MULTIPLE ENDOCRINE NEOPLASIA, TYPE IIA; PTC SYNDROME; SIPPLE SYNDROME; MEN 2A; MEN-2A syndrome; Pheochromocytoma and amyloid producing medullary thyroid carcinoma. Identifiers: Orphanet 247698, Orphanet 653, MedGen C0025268, MeSH D018813, MONDO:0008234, OMIM 171400.
Hereditary cancer-predisposing syndrome. Also called: Neoplastic Syndromes, Hereditary; Hereditary Cancer Syndrome; Tumor predisposition; Hereditary neoplastic syndrome. Identifiers: Orphanet 140162, MedGen C0027672, MeSH D009386, MONDO:0015356.
Multiple endocrine neoplasia, type 2 (MEN2). Identifiers: Orphanet 653, MedGen C4048306, MONDO:0019003. Disease mechanism: gain of function.

Allele frequency attached by ClinVar (database versions not stated): gnomAD exomes 0.00001.
gnomAD v4.1: 8 of 1,611,312 alleles (0.0005%); highest among the groups gnomAD compares: South Asian, 0.0044%; no homozygotes.

Submissions (4):

Labcorp Genetics (formerly Invitae), Labcorp
Classification: Likely benign for Multiple endocrine neoplasia, type 2. Last evaluated: 2025-04-29. Review status: criteria provided, single submitter. Criteria: Invitae Variant Classification Sherloc (09022015). Collection method: clinical testing. Allele origin: germline.

Myriad Genetics, Inc.
Classification: Benign for Multiple endocrine neoplasia type 2A. Last evaluated: 2025-02-26. Review status: criteria provided, single submitter. Criteria: Myriad Autosomal Dominant, Autosomal Recessive and X-Linked Classification Criteria (2023). Collection method: clinical testing. Allele origin: unknown.
Comment: This variant is considered benign. This variant is a silent/synonymous amino acid change and it is not expected to impact splicing.

Ambry Genetics
Classification: Uncertain significance for Hereditary cancer-predisposing syndrome. Last evaluated: 2024-03-22. Review status: criteria provided, single submitter. Criteria: Ambry Variant Classification Scheme 2023. Collection method: clinical testing. Allele origin: germline.
Comment: The c.2115C>T variant (also known as p.S705S), located in coding exon 11 of the RET gene, results from a C to T substitution at nucleotide position 2115. This nucleotide substitution does not change the serine at codon 705. This nucleotide position is poorly conserved in available vertebrate species. In silico splice site analysis for this alteration is inconclusive. Since supporting evidence is limited at this time, the clinical significance of this alteration remains unclear.

All of Us Research Program, National Institutes of Health
Classification: Uncertain significance for Multiple endocrine neoplasia, type 2. Last evaluated: 2023-04-03. Review status: criteria provided, single submitter. Criteria: ACMG Guidelines, 2015. Collection method: clinical testing. Allele origin: germline. Inheritance: Autosomal dominant inheritance. Observed: 1 variant allele, 1 heterozygote.
Comment: This variant is located in the RET protein. To our knowledge, functional studies have not been reported for this variant. This variant has not been reported in individuals affected with RET-related disorders in the literature. This variant has been identified in 3/248166 chromosomes in the general population by the Genome Aggregation Database (gnomAD). The available evidence is insufficient to determine the role of this variant in disease conclusively. Therefore, this variant is classified as a Variant of Uncertain Significance.

This study involves interpretation of variants in research participants for the purpose of population health screening. Participant phenotype was not available at the time of variant classification. Additional details can be found in publication PMID: 35346344, PMCID: PMC8962531

NM_020975.6(RET):c.2115C>T (p.Ser705=)

Gene: RET (ret proto-oncogene; plus strand). Cytogenetic location: 10q11.21.
Variant type: single nucleotide variant.
Coding change: c.2115C>T on transcript NM_020975.6 (MANE Select); coding-DNA position 2115, C replaced by T.
Protein change: p.Ser705=; no amino-acid change (serine 705 retained).
Molecular consequence: synonymous variant.
Genome position (GRCh38, 1-based): chr10:43,114,715, C>T. VCF-style: chr10-43114715-C-T. GRCh37 (hg19) VCF-style: chr10-43610163-C-T.
Other names: c.2115C>T, p.Ser705= (NM_000323.2, NM_001406743.1, NM_001406744.1 and 4 more transcripts); c.1353C>T, p.Ser451= (NM_001355216.2); c.1986C>T, p.Ser662= (NM_001406761.1, NM_001406762.1, NM_001406764.1); c.1980C>T, p.Ser660= (NM_001406763.1, NM_001406765.1); c.1827C>T, p.Ser609= (NM_001406766.1, NM_001406767.1, NM_001406770.1); c.1851C>T, p.Ser617= (NM_001406768.1); c.1719C>T, p.Ser573= (NM_001406769.1, NM_001406772.1); c.1677C>T, p.Ser559= (NM_001406771.1, NM_001406773.1); and 10 more.
Identifiers: ClinVar variation 696812 (VCV000696812.17), dbSNP rs1247902894, ClinGen allele CA469480003.